The following is an entry in ClinVar:

ClinVar aggregate classification (germline): Conflicting classifications of pathogenicity. Review status: criteria provided, conflicting classifications (1 of 4 stars). 2 submissions from 2 submitters: Uncertain significance (1); Likely benign (1). Last evaluated 2024-12-30.

Conditions:
Primary ciliary dyskinesia. Also called: Ciliary dyskinesia. Identifiers: Orphanet 244, MedGen C0008780, MONDO:0016575, HP:0012265.

Allele frequency attached by ClinVar (database versions not stated): ExAC 0.00002; TOPMed 0.00002; gnomAD exomes 0.00003 and 0.00004; 1000 Genomes Project 30x 0.00016.

Submissions (2):

Ambry Genetics
Classification: Likely benign for Primary ciliary dyskinesia. Last evaluated: 2024-12-30. Review status: criteria provided, single submitter. Criteria: Ambry Variant Classification Scheme 2023. Collection method: clinical testing. Allele origin: germline.

Labcorp Genetics (formerly Invitae), Labcorp
Classification: Uncertain significance for Primary ciliary dyskinesia. Last evaluated: 2022-09-01. Review status: criteria provided, single submitter. Criteria: Invitae Variant Classification Sherloc (09022015). Collection method: clinical testing. Allele origin: germline.
Comment: This variant is present in population databases (rs774136369, gnomAD 0.01%). This sequence change replaces valine, which is neutral and non-polar, with isoleucine, which is neutral and non-polar, at codon 426 of the DNAAF3 protein (p.Val426Ile). Algorithms developed to predict the effect of missense changes on protein structure and function output the following: SIFT: "Tolerated"; PolyPhen-2: "Benign"; Align-GVGD: "Class C0". The isoleucine amino acid residue is found in multiple mammalian species, which suggests that this missense change does not adversely affect protein function. In summary, the available evidence is currently insufficient to determine the role of this variant in disease. Therefore, it has been classified as a Variant of Uncertain Significance. ClinVar contains an entry for this variant (Variation ID: 953685). This variant has not been reported in the literature in individuals affected with DNAAF3-related conditions.

NM_001256715.2(DNAAF3):c.1075G>A (p.Val359Ile)

Genes: DNAAF3 (dynein axonemal assembly factor 3; minus strand), DNAAF3-AS1 (DNAAF3 antisense RNA 1; plus strand). Cytogenetic location: 19q13.42.
Variant type: single nucleotide variant.
Coding change: c.1075G>A on transcript NM_001256715.2 (MANE Select); coding-DNA position 1075, G replaced by A.
Protein change: p.Val359Ile; replaces valine 359 with isoleucine.
Molecular consequence: missense variant.
Genome position (GRCh38, 1-based): chr19:55,159,987, C>T on the plus strand (G>A on the coding strand, the complement: DNAAF3 is on the minus strand). VCF-style: chr19-55159987-C-T. GRCh37 (hg19) VCF-style: chr19-55671355-C-T.
Other names: c.1276G>A, p.Val426Ile (NM_001256714.1); c.913G>A, p.Val305Ile (NM_001256716.2); c.1216G>A, p.Val406Ile (NM_178837.4); short protein forms V426I, V305I, V406I, V359I.
Identifiers: ClinVar variation 953685 (VCV000953685.19), dbSNP rs774136369, ClinGen allele CA9667916.
Genomic context (GRCh38, chr19:55,159,987, plus strand): 5'-GGCCGTTGTAGCAGCTCTTGTGGTGGAGAGTCTGAGCAGAATTGAGCGGCAGGAAGTGGA[C>T]GGTGAAAGATTCCGGGGTCGGGGCTGCTGGGGGAAGGGGATAGAGGGGTCACCTCTGACA-3'
Protein context (NP_001243644.1, residues 349-369): PAAPTPESFT[Val359Ile]HFLPLNSAQT